The following is an entry in ClinVar:

NM_001377229.1(DISP1):c.1981C>T (p.Arg661Trp)

Gene: DISP1 (dispatched RND transporter family member 1; plus strand). Cytogenetic location: 1q41.
Variant type: single nucleotide variant.
Coding change: c.1981C>T on transcript NM_001377229.1 (MANE Select); coding-DNA position 1981, C replaced by T.
Protein change: p.Arg661Trp; replaces arginine 661 with tryptophan.
Molecular consequence: missense variant.
Genome position (GRCh38, 1-based): chr1:223,003,378, C>T. VCF-style: chr1-223003378-C-T. GRCh37 (hg19) VCF-style: chr1-223176720-C-T.
Other names: c.1252C>T, p.Arg418Trp (NM_001350630.2); c.1981C>T, p.Arg661Trp (NM_001369594.1, NM_001377228.1, NM_032890.5); c.1981C>T (NM_032890.3); short protein forms R418W, R661W.
Identifiers: ClinVar variation 1440464 (VCV001440464.9), dbSNP rs369217520, ClinGen allele CA1409162.

ClinVar aggregate classification (germline): Uncertain significance. Review status: criteria provided, multiple submitters, no conflicts (2 of 4 stars). 2 submissions from 2 submitters: Uncertain significance (2). Last evaluated 2026-03-20.

Conditions:
DISP1-related disorder. Also called: DISP1-related condition.

Allele frequency attached by ClinVar (database versions not stated): gnomAD exomes 0.00003 and 0.00008; gnomAD 0.00006 and 0.00007; TOPMed 0.00006; ExAC 0.00008; ESP Exome Variant Server 0.00015.
gnomAD v4.1: 61 of 1,614,054 alleles (0.0038%); highest among the groups gnomAD compares: Non-Finnish European, 0.0046%; no homozygotes.

Submissions (2):

PreventionGenetics, part of Exact Sciences
Classification: Uncertain significance for DISP1-related condition. Last evaluated: 2026-03-20. Review status: criteria provided, single submitter. Criteria: ACMG Guidelines, 2015. Collection method: clinical testing. Allele origin: germline.
Comment: The DISP1 c.1981C>T variant is predicted to result in the amino acid substitution p.Arg661Trp. To our knowledge, this variant has not been reported in the literature. This variant is reported in 0.014% of alleles in individuals of European (Non-Finnish) descent in gnomAD. At this time, the clinical significance of this variant is uncertain due to the absence of conclusive functional and genetic evidence.

Labcorp Genetics (formerly Invitae), Labcorp
Classification: Uncertain significance. Last evaluated: 2022-07-19. Review status: criteria provided, single submitter. Criteria: Invitae Variant Classification Sherloc (09022015). Collection method: clinical testing. Allele origin: germline.
Comment: This sequence change replaces arginine, which is basic and polar, with tryptophan, which is neutral and slightly polar, at codon 661 of the DISP1 protein (p.Arg661Trp). This variant is present in population databases (rs369217520, gnomAD 0.02%). This variant has not been reported in the literature in individuals affected with DISP1-related conditions. ClinVar contains an entry for this variant (Variation ID: 1440464). Algorithms developed to predict the effect of missense changes on protein structure and function are either unavailable or do not agree on the potential impact of this missense change (SIFT: "Deleterious"; PolyPhen-2: "Probably Damaging"; Align-GVGD: "Class C0"). In summary, the available evidence is currently insufficient to determine the role of this variant in disease. Therefore, it has been classified as a Variant of Uncertain Significance.